The following is an entry in ClinVar:

ClinVar aggregate classification (germline): Pathogenic (1 of 4 stars; one submission).

Conditions:
Autosomal recessive limb-girdle muscular dystrophy type 2A (LGMDR1). Also called: LEYDEN-MOEBIUS MUSCULAR DYSTROPHY; MUSCULAR DYSTROPHY, PELVOFEMORAL; Limb-girdle muscular dystrophy, type 2A; Calpainopathy; Muscular dystrophy, limb-girdle, type 2A, Amish. Identifiers: Orphanet 267, MedGen C1869123, MONDO:0009675, OMIM 253600. Disease mechanism: loss of function.

Submission:

Juno Genomics, Hangzhou Juno Genomics, Inc
Classification: Pathogenic for Autosomal recessive limb-girdle muscular dystrophy type 2A. Review status: criteria provided, single submitter. Criteria: ACMG Guidelines, 2015. Collection method: clinical testing. Allele origin: germline. Affected: yes.
Comment: Null variant in a gene where loss of function (LOF) is a known mechanism of disease.;Absent from controls (or at extremely low frequency if recessive) in Genome Aggregation Database, Exome Sequencing Project, 1000 Genomes Project, or Exome Aggregation Consortium.;For recessive disorders, detected in trans with a pathogenic variant.;Patient's phenotype or family history is highly specific for a disease with a single genetic etiology.

NM_000070.3(CAPN3):c.1745+1G>A

Gene: CAPN3 (calpain 3; plus strand). Cytogenetic location: 15q15.1.
Variant type: single nucleotide variant.
Coding change: c.1745+1G>A on transcript NM_000070.3 (MANE Select); the canonical splice donor site of the intron after coding-DNA position 1745, G replaced by A.
Molecular consequence: splice donor variant.
Genome position (GRCh38, 1-based): chr15:42,403,003, G>A. VCF-style: chr15-42403003-G-A. GRCh37 (hg19) VCF-style: chr15-42695201-G-A.
Other names: c.1745+1G>A (NM_024344.2); c.1601+1G>A (NM_173087.2); c.209+1G>A (NM_173088.2).
Identifiers: ClinVar variation 3383177 (VCV003383177.2).